The following is an entry in ClinVar:

ClinVar aggregate classification (germline): Uncertain significance (1 of 4 stars; one submission).

Conditions:
Hyperekplexia 3 (HKPX3). Also called: HYPEREKPLEXIA 3, AUTOSOMAL RECESSIVE; HYPEREKPLEXIA 3, AUTOSOMAL DOMINANT. Identifiers: Orphanet 3197, MedGen C3553288, MONDO:0013827, OMIM 614618.

Allele frequency attached by ClinVar (database versions not stated): ExAC 0.00001.
gnomAD v4.1: 4 of 1,613,880 alleles (0.00025%); highest among the groups gnomAD compares: Non-Finnish European, 0.00034%; no homozygotes.

Submission:

Labcorp Genetics (formerly Invitae), Labcorp
Classification: Uncertain significance for Hyperekplexia 3. Last evaluated: 2024-11-11. Review status: criteria provided, single submitter. Criteria: Invitae Variant Classification Sherloc (09022015). Collection method: clinical testing. Allele origin: germline.
Comment: This sequence change replaces threonine, which is neutral and polar, with asparagine, which is neutral and polar, at codon 555 of the SLC6A5 protein (p.Thr555Asn). This variant is present in population databases (rs756304752, gnomAD 0.0009%). This variant has not been reported in the literature in individuals affected with SLC6A5-related conditions. ClinVar contains an entry for this variant (Variation ID: 1392828). Invitae Evidence Modeling of protein sequence and biophysical properties (such as structural, functional, and spatial information, amino acid conservation, physicochemical variation, residue mobility, and thermodynamic stability) indicates that this missense variant is not expected to disrupt SLC6A5 protein function with a negative predictive value of 95%. In summary, the available evidence is currently insufficient to determine the role of this variant in disease. Therefore, it has been classified as a Variant of Uncertain Significance.

NM_004211.5(SLC6A5):c.1664C>A (p.Thr555Asn)

Gene: SLC6A5 (solute carrier family 6 member 5; plus strand). Cytogenetic location: 11p15.1.
Variant type: single nucleotide variant.
Coding change: c.1664C>A on transcript NM_004211.5 (MANE Select); coding-DNA position 1664, C replaced by A.
Protein change: p.Thr555Asn; replaces threonine 555 with asparagine.
Molecular consequence: missense variant.
Genome position (GRCh38, 1-based): chr11:20,636,346, C>A. VCF-style: chr11-20636346-C-A. GRCh37 (hg19) VCF-style: chr11-20657892-C-A.
Other names: c.962C>A, p.Thr321Asn (NM_001318369.2); short protein forms T321N, T555N.
Identifiers: ClinVar variation 1392828 (VCV001392828.7), dbSNP rs756304752, ClinGen allele CA5921546.